The following is an entry in ClinVar:

NM_032043.3(BRIP1):c.1681C>G (p.Gln561Glu)

Gene: BRIP1 (BRCA1 interacting DNA helicase 1; minus strand). Cytogenetic location: 17q23.2.
Variant type: single nucleotide variant.
Coding change: c.1681C>G on transcript NM_032043.3 (MANE Select); coding-DNA position 1681, C replaced by G.
Protein change: p.Gln561Glu; replaces glutamine 561 with glutamic acid.
Molecular consequence: missense variant.
Genome position (GRCh38, 1-based): chr17:61,780,953, G>C on the plus strand (C>G on the coding strand, the complement: BRIP1 is on the minus strand). VCF-style: chr17-61780953-G-C. GRCh37 (hg19) VCF-style: chr17-59858314-G-C.
Other names: short protein forms Q561E.
Identifiers: ClinVar variation 5033409 (VCV005033409.1).

ClinVar aggregate classification (germline): Uncertain significance (1 of 4 stars; one submission).

Conditions:
Hereditary cancer-predisposing syndrome. Also called: Neoplastic Syndromes, Hereditary; Tumor predisposition; Hereditary neoplastic syndrome; Hereditary Cancer Syndrome. Identifiers: Orphanet 140162, MedGen C0027672, MeSH D009386, MONDO:0015356.

Submission:

Ambry Genetics
Classification: Uncertain significance for Hereditary cancer-predisposing syndrome. Last evaluated: 2026-07-06. Review status: criteria provided, single submitter. Criteria: Ambry Variant Classification Scheme 2023. Collection method: clinical testing. Allele origin: germline.
Comment: The p.Q561E variant (also known as c.1681C>G), located in coding exon 11 of the BRIP1 gene, results from a C to G substitution at nucleotide position 1681. The glutamine at codon 561 is replaced by glutamic acid, an amino acid with highly similar properties. This amino acid position is conserved. In addition, this alteration is predicted to be tolerated by in silico analysis. Based on the available evidence, the clinical significance of this variant remains unclear.